The following is an entry in ClinVar:

ClinVar aggregate classification (germline): Likely benign. Review status: criteria provided, multiple submitters, no conflicts (2 of 4 stars). 3 submissions from 3 submitters: Likely benign (2). 1 of the submissions does not count toward it. Last evaluated 2024-07-19.

Conditions:
FGFR3-related disorder. Also called: FGFR3-related disorders.

gnomAD v4.1: 146 of 1,612,564 alleles (0.0091%); highest among the groups gnomAD compares: Non-Finnish European, 0.012%; no homozygotes.

Submissions (3):

Labcorp Genetics (formerly Invitae), Labcorp
Classification: Likely benign. Last evaluated: 2024-07-19. Review status: criteria provided, single submitter. Criteria: Invitae Variant Classification Sherloc (09022015). Collection method: clinical testing. Allele origin: germline.

Blueprint Genetics
Classification: Likely benign. Last evaluated: 2022-11-02. Review status: criteria provided, single submitter. Criteria: ACMG Guidelines, 2015. Collection method: clinical testing. Allele origin: germline.

PreventionGenetics, part of Exact Sciences
Classification: Likely benign for FGFR3-related condition. Last evaluated: 2019-07-29. Review status: no assertion criteria provided. Collection method: clinical testing. Allele origin: germline. Not counted in ClinVar's aggregate classification.
Comment: This variant is classified as likely benign based on ACMG/AMP sequence variant interpretation guidelines (Richards et al. 2015 PMID: 25741868, with internal and published modifications).

NM_000142.5(FGFR3):c.192C>G (p.Pro64=)

Gene: FGFR3 (fibroblast growth factor receptor 3; plus strand). Cytogenetic location: 4p16.3.
Variant type: single nucleotide variant.
Coding change: c.192C>G on transcript NM_000142.5 (MANE Select); coding-DNA position 192, C replaced by G.
Protein change: p.Pro64=; no amino-acid change (proline 64 retained).
Molecular consequence: synonymous variant. On other transcripts: non-coding transcript variant (1).
Genome position (GRCh38, 1-based): chr4:1,799,336, C>G. VCF-style: chr4-1799336-C-G. GRCh37 (hg19) VCF-style: chr4-1801063-C-G.
Other names: c.192C>G, p.Pro64= (NM_001163213.2, NM_001354809.2, NM_001354810.2 and 1 more transcripts).
Identifiers: ClinVar variation 2720256 (VCV002720256.6), dbSNP rs766462409, ClinGen allele CA91245612.